The following is an entry in ClinVar:

ClinVar aggregate classification (germline): Benign/Likely benign. Review status: criteria provided, multiple submitters, no conflicts (2 of 4 stars). 2 submissions from 2 submitters: Benign (1); Likely benign (1). Last evaluated 2024-07-16.

Conditions:
BAP1-related tumor predisposition syndrome (TPDS1). Also called: Tumor susceptibility linked to germline BAP1 mutations; BAP1 tumor predisposition syndrome; COMMON Syndrome; TUMOR PREDISPOSITION SYNDROME 1. Identifiers: Orphanet 289539, MedGen C3280492, MONDO:0013692, OMIM 614327.
Hereditary cancer-predisposing syndrome. Also called: Hereditary Cancer Syndrome; Tumor predisposition; Hereditary neoplastic syndrome; Neoplastic Syndromes, Hereditary. Identifiers: Orphanet 140162, MedGen C0027672, MeSH D009386, MONDO:0015356.

Submissions (2):

Myriad Genetics, Inc.
Classification: Benign for BAP1-related tumor predisposition syndrome. Last evaluated: 2024-07-16. Review status: criteria provided, single submitter. Criteria: Myriad Autosomal Dominant, Autosomal Recessive and X-Linked Classification Criteria (2023). Collection method: clinical testing. Allele origin: unknown.
Comment: This variant is considered benign. This variant is a silent/synonymous amino acid change and it is not expected to impact splicing.

Ambry Genetics
Classification: Likely benign for Hereditary cancer-predisposing syndrome. Last evaluated: 2024-04-29. Review status: criteria provided, single submitter. Criteria: Ambry Variant Classification Scheme 2023. Collection method: clinical testing. Allele origin: germline.

NM_004656.4(BAP1):c.1689C>T (p.His563=)

Gene: BAP1 (BRCA1 associated deubiquitinase 1; minus strand). Cytogenetic location: 3p21.1.
Variant type: single nucleotide variant.
Coding change: c.1689C>T on transcript NM_004656.4 (MANE Select); coding-DNA position 1689, C replaced by T.
Protein change: p.His563=; no amino-acid change (histidine 563 retained).
Molecular consequence: synonymous variant.
Genome position (GRCh38, 1-based): chr3:52,403,456, G>A on the plus strand (C>T on the coding strand, the complement: BAP1 is on the minus strand). VCF-style: chr3-52403456-G-A. GRCh37 (hg19) VCF-style: chr3-52437472-G-A.
Other names: c.1635C>T, p.His545= (NM_001410772.1).
Identifiers: ClinVar variation 3260386 (VCV003260386.2).